The following is an entry in ClinVar:

NM_152617.4(RNF168):c.413A>T (p.Glu138Val)

Gene: RNF168 (ring finger protein 168; minus strand). Cytogenetic location: 3q29.
Variant type: single nucleotide variant.
Coding change: c.413A>T on transcript NM_152617.4 (MANE Select); coding-DNA position 413, A replaced by T.
Protein change: p.Glu138Val; replaces glutamic acid 138 with valine.
Molecular consequence: missense variant.
Genome position (GRCh38, 1-based): chr3:196,487,544, T>A on the plus strand (A>T on the coding strand, the complement: RNF168 is on the minus strand). VCF-style: chr3-196487544-T-A. GRCh37 (hg19) VCF-style: chr3-196214415-T-A.
Other names: short protein forms E138V.
Identifiers: ClinVar variation 1377671 (VCV001377671.6), dbSNP rs2108650285, ClinGen allele CA355625588.
Genomic context (GRCh38, chr3:196,487,544, plus strand): 5'-TTTTCCTCTTCTTCCTCCTCTGCCAACAACCTCTGTATGTATTCTTCACTGGCTTTGTTT[T>A]CTTCTTCCTCGCTGGCCCGTCGCTCTGCCGCCACCTTAAAAGTGATTAATAAAGAGCAAT-3'
Protein context (NP_689830.2, residues 128-148): AAERRASEEE[Glu138Val]NKASEEYIQR

ClinVar aggregate classification (germline): Uncertain significance (1 of 4 stars; one submission).

Allele frequency attached by ClinVar (database versions not stated): gnomAD exomes below 0.00001.
gnomAD v4.1: 4 of 1,614,226 alleles (0.00025%); highest among the groups gnomAD compares: Non-Finnish European, 0.00034%; no homozygotes.

Submission:

Labcorp Genetics (formerly Invitae), Labcorp
Classification: Uncertain significance. Last evaluated: 2021-10-27. Review status: criteria provided, single submitter. Criteria: Invitae Variant Classification Sherloc (09022015). Collection method: clinical testing. Allele origin: germline.
Comment: This sequence change replaces glutamic acid, a(n) acidic and polar amino acid, with valine, a(n) neutral and non-polar amino acid, at codon 138 of the RNF168 protein (p.Glu138Val). This variant is not present in population databases (gnomAD no frequency). In summary, the available evidence is currently insufficient to determine the role of this variant in disease. Therefore, it has been classified as a Variant of Uncertain Significance. This variant has not been reported in the literature in individuals affected with RNF168-related conditions. Algorithms developed to predict the effect of missense changes on protein structure and function are either unavailable or do not agree on the potential impact of this missense change (SIFT: "Deleterious"; PolyPhen-2: "Probably Damaging"; Align-GVGD: "Class C0"). Algorithms developed to predict the effect of sequence changes on RNA splicing suggest that this variant may create or strengthen a splice site.